The following is an entry in ClinVar:

ClinVar aggregate classification (germline): Likely benign (0 of 4 stars; one submission).

Conditions:
NPHP3-related disorder. Also called: NPHP3-related condition; NPHP3-related disorders. Identifiers: MedGen CN379163.

Submission:

PreventionGenetics, part of Exact Sciences
Classification: Likely benign for NPHP3-related condition. Last evaluated: 2024-07-17. Review status: no assertion criteria provided. Collection method: clinical testing. Allele origin: germline.
Comment: This variant is classified as likely benign based on ACMG/AMP sequence variant interpretation guidelines (Richards et al. 2015 PMID: 25741868, with internal and published modifications).

NM_153240.4(NPHP3):c.-97_-70del28

Genes: NPHP3 (nephrocystin 3; minus strand), NPHP3-ACAD11 (NPHP3-ACAD11 readthrough (NMD candidate); minus strand), NPHP3-AS1 (NPHP3 antisense RNA 1; plus strand), LOC129937587 (ATAC-STARR-seq lymphoblastoid silent region 14744; plus strand). Cytogenetic location: 3q22.1.
Variant type: Microsatellite.
Coding change: c.-97_-70del28 on transcript NM_153240.4; 97 bases upstream of the start codon through 70 bases upstream of the start codon, 28 bases deleted (GCCCCGTCCCGTTCCGTTCCTCTGCCCC).
Genome position (GRCh38, 1-based): chr3:132,722,425-132,722,452, GGGGCAGAGGAACGGAACGGGACGGGGC deleted on the plus strand (GCCCCGTCCCGTTCCGTTCCTCTGCCCC on the coding strand, the reverse complement: NPHP3 is on the minus strand); deleting any 28 consecutive bases within chr3:132,722,425-132,722,483 gives the same sequence; the c. name uses the placement nearest the transcript's 3' end. VCF-style (leftmost placement, unchanged base first): chr3-132722424-TGGGGCAGAGGAACGGAACGGGACGGGGC-T. GRCh37 (hg19) VCF-style: chr3-132441268-TGGGGCAGAGGAACGGAACGGGACGGGGC-T.
Identifiers: ClinVar variation 3357969 (VCV003357969.1).